The following is an entry in ClinVar:

ClinVar aggregate classification (germline): Uncertain significance. Review status: criteria provided, multiple submitters, no conflicts (2 of 4 stars). 2 submissions from 2 submitters: Uncertain significance (2). Last evaluated 2026-01-25.

Conditions:
Hereditary cancer-predisposing syndrome. Also called: Tumor predisposition; Hereditary Cancer Syndrome; Hereditary neoplastic syndrome; Neoplastic Syndromes, Hereditary. Identifiers: Orphanet 140162, MedGen C0027672, MeSH D009386, MONDO:0015356.
Neuroblastoma, susceptibility to, 3. Also called: ALK-Related Neuroblastic Tumor Susceptibility. Identifiers: Orphanet 635, MedGen C2751681, MONDO:0013083, OMIM 613014.

Submissions (2):

Ambry Genetics
Classification: Uncertain significance for Hereditary cancer-predisposing syndrome. Last evaluated: 2026-01-25. Review status: criteria provided, single submitter. Criteria: Ambry Variant Classification Scheme 2023. Collection method: clinical testing. Allele origin: germline.
Comment: The p.I178M variant (also known as c.534T>G), located in coding exon 1 of the ALK gene, results from a T to G substitution at nucleotide position 534. The isoleucine at codon 178 is replaced by methionine, an amino acid with highly similar properties. This amino acid position is conserved. In addition, this alteration is predicted to be tolerated by in silico analysis. Based on the available evidence, the clinical significance of this variant remains unclear.

Labcorp Genetics (formerly Invitae), Labcorp
Classification: Uncertain significance for Neuroblastoma, susceptibility to, 3. Last evaluated: 2024-06-16. Review status: criteria provided, single submitter. Criteria: Invitae Variant Classification Sherloc (09022015). Collection method: clinical testing. Allele origin: germline.
Comment: This sequence change replaces isoleucine, which is neutral and non-polar, with methionine, which is neutral and non-polar, at codon 178 of the ALK protein (p.Ile178Met). This variant is not present in population databases (gnomAD no frequency). This variant has not been reported in the literature in individuals affected with ALK-related conditions. An algorithm developed to predict the effect of missense changes on protein structure and function (PolyPhen-2) suggests that this variant is likely to be tolerated. In summary, the available evidence is currently insufficient to determine the role of this variant in disease. Therefore, it has been classified as a Variant of Uncertain Significance.

NM_004304.5(ALK):c.534T>G (p.Ile178Met)

Gene: ALK (ALK receptor tyrosine kinase; minus strand). Cytogenetic location: 2p23.1.
Variant type: single nucleotide variant.
Coding change: c.534T>G on transcript NM_004304.5 (MANE Select); coding-DNA position 534, T replaced by G.
Protein change: p.Ile178Met; replaces isoleucine 178 with methionine.
Molecular consequence: missense variant.
Genome position (GRCh38, 1-based): chr2:29,920,126, A>C on the plus strand (T>G on the coding strand, the complement: ALK is on the minus strand). VCF-style: chr2-29920126-A-C. GRCh37 (hg19) VCF-style: chr2-30142992-A-C.
Other names: c.534T>G (NM_004304.4); short protein forms I178M.
Identifiers: ClinVar variation 2750295 (VCV002750295.4), dbSNP rs2148443040, ClinGen allele CA346589849.